The following is an entry in ClinVar:

ClinVar aggregate classification (germline): Uncertain significance. Review status: criteria provided, multiple submitters, no conflicts (2 of 4 stars). 2 submissions from 2 submitters: Uncertain significance (2). Last evaluated 2026-07-28.

Conditions:
Hereditary cancer-predisposing syndrome. Also called: Hereditary Cancer Syndrome; Hereditary neoplastic syndrome; Neoplastic Syndromes, Hereditary; Tumor predisposition. Identifiers: Orphanet 140162, MedGen C0027672, MeSH D009386, MONDO:0015356.

Submissions (2):

Ambry Genetics
Classification: Uncertain significance for Hereditary cancer-predisposing syndrome. Last evaluated: 2026-07-28. Review status: criteria provided, single submitter. Criteria: Ambry Variant Classification Scheme 2023. Collection method: clinical testing. Allele origin: germline.
Comment: The p.R633K variant (also known as c.1898G>A), located in coding exon 12 of the CTNNA1 gene, results from a G to A substitution at nucleotide position 1898. The arginine at codon 633 is replaced by lysine, an amino acid with highly similar properties. This amino acid position is conserved. In addition, the in silico prediction for this alteration is inconclusive. Based on the available evidence, the clinical significance of this variant remains unclear.

Labcorp Genetics (formerly Invitae), Labcorp
Classification: Uncertain significance. Last evaluated: 2023-05-02. Review status: criteria provided, single submitter. Criteria: Invitae Variant Classification Sherloc (09022015). Collection method: clinical testing. Allele origin: germline.
Comment: This sequence change replaces arginine, which is basic and polar, with lysine, which is basic and polar, at codon 633 of the CTNNA1 protein (p.Arg633Lys). In summary, the available evidence is currently insufficient to determine the role of this variant in disease. Therefore, it has been classified as a Variant of Uncertain Significance. An algorithm developed to predict the effect of missense changes on protein structure and function (PolyPhen-2) suggests that this variant is likely to be tolerated. This variant has not been reported in the literature in individuals affected with CTNNA1-related conditions. This variant is not present in population databases (gnomAD no frequency).

NM_001903.5(CTNNA1):c.1898G>A (p.Arg633Lys)

Gene: CTNNA1 (catenin alpha 1; plus strand). Cytogenetic location: 5q31.2.
Variant type: single nucleotide variant.
Coding change: c.1898G>A on transcript NM_001903.5 (MANE Select); coding-DNA position 1898, G replaced by A.
Protein change: p.Arg633Lys; replaces arginine 633 with lysine.
Molecular consequence: missense variant.
Genome position (GRCh38, 1-based): chr5:138,925,406, G>A. VCF-style: chr5-138925406-G-A. GRCh37 (hg19) VCF-style: chr5-138261095-G-A.
Other names: c.1898G>A, p.Arg633Lys (NM_001290307.3, NM_001323982.2, NM_001323983.1 and 2 more transcripts); c.1589G>A, p.Arg530Lys (NM_001290309.3); c.1529G>A, p.Arg510Lys (NM_001290310.3); c.788G>A, p.Arg263Lys (NM_001290312.1, NM_001323987.1, NM_001323988.1 and 17 more transcripts); c.1805G>A, p.Arg602Lys (NM_001323986.2); c.449G>A, p.Arg150Lys (NM_001324007.1, NM_001324008.1, NM_001324009.1 and 2 more transcripts); c.695G>A, p.Arg232Lys (NM_001324011.1); c.545G>A, p.Arg182Lys (NM_001324012.1, NM_001324013.1); and 1 more; short protein forms R510K, R530K, R633K, R182K, R602K, R150K, R232K, R263K.
Identifiers: ClinVar variation 2861416 (VCV002861416.4), dbSNP rs2533737778, ClinGen allele CA361132467.